The following is an entry in ClinVar:

ClinVar aggregate classification (germline): Uncertain significance. Review status: criteria provided, multiple submitters, no conflicts (2 of 4 stars). 2 submissions from 2 submitters: Uncertain significance (2). Last evaluated 2024-01-08.

Conditions:
Focal segmental glomerulosclerosis 6 (FSGS6). Identifiers: Orphanet 656, MedGen C3279905, MONDO:0013589, OMIM 614131.

Allele frequency attached by ClinVar (database versions not stated): gnomAD exomes below 0.00001.
gnomAD v4.1: 2 of 1,614,122 alleles (0.00012%); highest among the groups gnomAD compares: Non-Finnish European, 0.000085%; no homozygotes.

Submissions (2):

Fulgent Genetics
Classification: Uncertain significance for Focal segmental glomerulosclerosis 6. Last evaluated: 2024-01-08. Review status: criteria provided, single submitter. Criteria: ACMG Guidelines, 2015. Collection method: clinical testing. Allele origin: germline.

Laboratorio de Genetica e Diagnostico Molecular, Hospital Israelita Albert Einstein
Classification: Uncertain significance for Focal segmental glomerulosclerosis 6. Last evaluated: 2022-07-15. Review status: criteria provided, single submitter. Criteria: ACMG Guidelines, 2015. Collection method: clinical testing. Allele origin: germline. Affected: yes. Observed: 1 variant allele.
Comment: ACMG classification criteria: PM2 moderated, BP4 supporting

NM_004998.4(MYO1E):c.2350C>A (p.Leu784Met)

Gene: MYO1E (myosin IE; minus strand). Cytogenetic location: 15q22.2.
Variant type: single nucleotide variant.
Coding change: c.2350C>A on transcript NM_004998.4 (MANE Select); coding-DNA position 2350, C replaced by A.
Protein change: p.Leu784Met; replaces leucine 784 with methionine.
Molecular consequence: missense variant.
Genome position (GRCh38, 1-based): chr15:59,172,027, G>T on the plus strand (C>A on the coding strand, the complement: MYO1E is on the minus strand). VCF-style: chr15-59172027-G-T. GRCh37 (hg19) VCF-style: chr15-59464226-G-T.
Other names: short protein forms L784M.
Identifiers: ClinVar variation 2431527 (VCV002431527.2), dbSNP rs376462389, ClinGen allele CA392637807.